The following is an entry in ClinVar:

ClinVar aggregate classification (germline): Uncertain significance (1 of 4 stars; one submission).

Conditions:
Inborn genetic diseases. Identifiers: MedGen C0950123, MeSH D030342.

Submission:

Ambry Genetics
Classification: Uncertain significance for Inborn genetic diseases. Last evaluated: 2024-09-15. Review status: criteria provided, single submitter. Criteria: Ambry Variant Classification Scheme 2023. Collection method: clinical testing. Allele origin: germline.
Comment: The p.Q259P variant (also known as c.776A>C), located in coding exon 7 of the BUB1B gene, results from an A to C substitution at nucleotide position 776. The glutamine at codon 259 is replaced by proline, an amino acid with similar properties. This amino acid position is conserved. In addition, this alteration is predicted to be tolerated by in silico analysis. Based on the available evidence, the clinical significance of this variant remains unclear.

NM_001211.6(BUB1B):c.776A>C (p.Gln259Pro)

Gene: BUB1B (BUB1 mitotic checkpoint serine/threonine kinase B; plus strand). Cytogenetic location: 15q15.1.
Variant type: single nucleotide variant.
Coding change: c.776A>C on transcript NM_001211.6 (MANE Select); coding-DNA position 776, A replaced by C.
Protein change: p.Gln259Pro; replaces glutamine 259 with proline.
Molecular consequence: missense variant.
Genome position (GRCh38, 1-based): chr15:40,185,189, A>C. VCF-style: chr15-40185189-A-C. GRCh37 (hg19) VCF-style: chr15-40477390-A-C.
Other names: short protein forms Q259P.
Identifiers: ClinVar variation 3483191 (VCV003483191.1).